The following is an entry in ClinVar:

ClinVar aggregate classification (germline): Pathogenic (1 of 4 stars; one submission).

Conditions:
Nemaline myopathy 2 (NEM2). Also called: Nemaline myopathy 2, autosomal recessive. Identifiers: MedGen C1850569, MONDO:0009725, OMIM 256030.

Submission:

Labcorp Genetics (formerly Invitae), Labcorp
Classification: Pathogenic for Nemaline myopathy 2. Last evaluated: 2022-03-26. Review status: criteria provided, single submitter. Criteria: Invitae Variant Classification Sherloc (09022015). Collection method: clinical testing. Allele origin: germline.
Comment: For these reasons, this variant has been classified as Pathogenic. This variant disrupts a region of the NEB protein in which other variant(s) (Deletion (Exons 53-54)) have been determined to be pathogenic (PMID: 23010307). This suggests that this is a clinically significant region of the protein, and that variants that disrupt it are likely to be disease-causing. This variant has not been reported in the literature in individuals affected with NEB-related conditions. This variant is a gross deletion of the genomic region encompassing exon(s) 52-54 of the NEB gene. This variant would be expected to be in-frame, preserving the integrity of the reading frame.

Literature cited by the submitters: PubMed 23010307.

NC_000002.11:g.(?_152506680)_(152510623_?)del

Gene: NEB (nebulin; minus strand). Cytogenetic location: 2q23.3.
Variant type: Deletion.
Identifiers: ClinVar variation 2424070 (VCV002424070.4).